The following is an entry in ClinVar:

ClinVar aggregate classification (germline): Uncertain significance (1 of 4 stars; one submission).

Allele frequency attached by ClinVar (database versions not stated): TOPMed 0.00001; ExAC 0.00001; gnomAD 0.00001; gnomAD exomes 0.00001.
gnomAD v4.1: 5 of 1,614,070 alleles (0.00031%); highest among the groups gnomAD compares: East Asian, 0.0022%; no homozygotes.

Submission:

Labcorp Genetics (formerly Invitae), Labcorp
Classification: Uncertain significance. Last evaluated: 2023-11-13. Review status: criteria provided, single submitter. Criteria: Invitae Variant Classification Sherloc (09022015). Collection method: clinical testing. Allele origin: germline.
Comment: This sequence change replaces asparagine, which is neutral and polar, with threonine, which is neutral and polar, at codon 2846 of the KMT2A protein (p.Asn2846Thr). This variant is present in population databases (rs782222821, gnomAD 0.02%). This variant has not been reported in the literature in individuals affected with KMT2A-related conditions. ClinVar contains an entry for this variant (Variation ID: 2004036). Advanced modeling of protein sequence and biophysical properties (such as structural, functional, and spatial information, amino acid conservation, physicochemical variation, residue mobility, and thermodynamic stability) has been performed at Invitae for this missense variant, however the output from this modeling did not meet the statistical confidence thresholds required to predict the impact of this variant on KMT2A protein function. In summary, the available evidence is currently insufficient to determine the role of this variant in disease. Therefore, it has been classified as a Variant of Uncertain Significance.

NM_001197104.2(KMT2A):c.8537A>C (p.Asn2846Thr)

Gene: KMT2A (lysine methyltransferase 2A; plus strand). Cytogenetic location: 11q23.3.
Variant type: single nucleotide variant.
Coding change: c.8537A>C on transcript NM_001197104.2 (MANE Select); coding-DNA position 8537, A replaced by C.
Protein change: p.Asn2846Thr; replaces asparagine 2846 with threonine.
Molecular consequence: missense variant.
Genome position (GRCh38, 1-based): chr11:118,504,429, A>C. VCF-style: chr11-118504429-A-C. GRCh37 (hg19) VCF-style: chr11-118375144-A-C.
Other names: c.8627A>C, p.Asn2876Thr (NM_001412597.1); c.8528A>C, p.Asn2843Thr (NM_005933.4); short protein forms N2846T, N2876T, N2843T.
Identifiers: ClinVar variation 2004036 (VCV002004036.4), dbSNP rs782222821, ClinGen allele CA6304511.